The following is an entry in ClinVar:

ClinVar aggregate classification (germline): Likely pathogenic (1 of 4 stars; one submission).

Conditions:
Nemaline myopathy 2 (NEM2). Also called: Nemaline myopathy 2, autosomal recessive. Identifiers: MedGen C1850569, MONDO:0009725, OMIM 256030.

Submission:

Labcorp Genetics (formerly Invitae), Labcorp
Classification: Likely pathogenic for Nemaline myopathy 2. Last evaluated: 2022-03-03. Review status: criteria provided, single submitter. Criteria: Invitae Variant Classification Sherloc (09022015). Collection method: clinical testing. Allele origin: germline.
Comment: In summary, the currently available evidence indicates that the variant is pathogenic, but additional data are needed to prove that conclusively. Therefore, this variant has been classified as Likely Pathogenic. Algorithms developed to predict the effect of sequence changes on RNA splicing suggest that this variant may disrupt the consensus splice site. This variant has not been reported in the literature in individuals affected with NEB-related conditions. This variant is not present in population databases (gnomAD no frequency). This sequence change affects an acceptor splice site in intron 156 of the NEB gene. It is expected to disrupt RNA splicing. Variants that disrupt the donor or acceptor splice site typically lead to a loss of protein function (PMID: 16199547), and loss-of-function variants in NEB are known to be pathogenic (PMID: 25205138).

Literature cited by the submitters: PubMed 16199547; PubMed 25205138.

NM_001164508.2(NEB):c.22696-2A>C

Genes: NEB (nebulin; minus strand), RIF1 (replication timing regulatory factor 1; plus strand). Cytogenetic location: 2q23.3.
Variant type: single nucleotide variant.
Coding change: c.22696-2A>C on transcript NM_001164508.2 (MANE Select); the canonical splice acceptor site of the intron before coding-DNA position 22696, A replaced by C.
Molecular consequence: splice acceptor variant.
Genome position (GRCh38, 1-based): chr2:151,518,424, T>G on the plus strand (A>C on the coding strand, the complement: NEB is on the minus strand). VCF-style: chr2-151518424-T-G. GRCh37 (hg19) VCF-style: chr2-152374938-T-G.
Other names: c.17593-2A>C (NM_004543.5); c.22696-2A>C (NM_001164507.2); c.22801-2A>C (NM_001271208.2).
Identifiers: ClinVar variation 1976473 (VCV001976473.5), dbSNP rs2552089569, ClinGen allele CA348760017.